The following is an entry in ClinVar:

NM_014956.5(CEP164):c.1179_1180delinsCT (p.Lys393_Glu394delinsAsnTer)

Gene: CEP164 (centrosomal protein 164; plus strand). Cytogenetic location: 11q23.3.
Variant type: Indel.
Coding change: c.1179_1180delinsCT on transcript NM_014956.5 (MANE Select); coding-DNA positions 1179 to 1180, GG replaced by CT.
Protein change: p.Lys393_Glu394delinsAsnTer.
Molecular consequence: nonsense.
Genome position (GRCh38, 1-based): chr11:117,373,777-117,373,778, GG replaced by CT. VCF-style: chr11-117373777-GG-CT. GRCh37 (hg19) VCF-style: chr11-117244493-GG-CT.
Other names: c.1179_1180delinsCT, p.Lys393_Glu394delinsAsnTer (NM_001271933.2).
Identifiers: ClinVar variation 2061214 (VCV002061214.5), dbSNP rs2541303541, ClinGen allele CA2580083490.

ClinVar aggregate classification (germline): Pathogenic/Likely pathogenic. Review status: criteria provided, multiple submitters, no conflicts (2 of 4 stars). 2 submissions from 2 submitters: Pathogenic (1); Likely pathogenic (1). Last evaluated 2024-03-13.

Conditions:
Nephronophthisis 15 (NPHP15). Identifiers: Orphanet 3156, MedGen C3541853, MONDO:0013917, OMIM 614845.

Submissions (2):

Fulgent Genetics
Classification: Likely pathogenic for Nephronophthisis 15. Last evaluated: 2024-03-13. Review status: criteria provided, single submitter. Criteria: ACMG Guidelines, 2015. Collection method: clinical testing. Allele origin: germline.

Labcorp Genetics (formerly Invitae), Labcorp
Classification: Pathogenic for Nephronophthisis 15. Last evaluated: 2023-06-13. Review status: criteria provided, single submitter. Criteria: Invitae Variant Classification Sherloc (09022015). Collection method: clinical testing. Allele origin: germline.
Comment: For these reasons, this variant has been classified as Pathogenic. ClinVar contains an entry for this variant (Variation ID: 2061214). This variant has not been reported in the literature in individuals affected with CEP164-related conditions. Information on the frequency of this variant in the gnomAD database is not available, as this variant may be reported differently in the database. This sequence change creates a premature translational stop signal (p.Lys393_Glu394delinsAsn*) in the CEP164 gene. It is expected to result in an absent or disrupted protein product. Loss-of-function variants in CEP164 are known to be pathogenic (PMID: 22863007, 28125082, 32367404, 34132027, 34499853).

Literature cited by the submitters: PubMed 22863007 (cited by Labcorp Genetics (formerly Invitae), Labcorp); PubMed 28125082 (cited by Labcorp Genetics (formerly Invitae), Labcorp); PubMed 32367404 (cited by Labcorp Genetics (formerly Invitae), Labcorp); PubMed 34132027 (cited by Labcorp Genetics (formerly Invitae), Labcorp); PubMed 34499853 (cited by Labcorp Genetics (formerly Invitae), Labcorp).